The following is an entry in ClinVar:

NM_004963.4(GUCY2C):c.2155G>C (p.Glu719Gln)

Gene: GUCY2C (guanylate cyclase 2C; minus strand). Cytogenetic location: 12p12.3.
Variant type: single nucleotide variant.
Coding change: c.2155G>C on transcript NM_004963.4 (MANE Select); coding-DNA position 2155, G replaced by C.
Protein change: p.Glu719Gln; replaces glutamic acid 719 with glutamine.
Molecular consequence: missense variant.
Genome position (GRCh38, 1-based): chr12:14,639,864, C>G on the plus strand (G>C on the coding strand, the complement: GUCY2C is on the minus strand). VCF-style: chr12-14639864-C-G. GRCh37 (hg19) VCF-style: chr12-14792798-C-G.
Other names: short protein forms E719Q.
Identifiers: ClinVar variation 802827 (VCV000802827.4), dbSNP rs895214647, ClinGen allele CA383983472.

ClinVar aggregate classification (germline): Conflicting classifications of pathogenicity. Review status: criteria provided, conflicting classifications (1 of 4 stars). 2 submissions from 2 submitters: Uncertain significance (1); Likely benign (1). Last evaluated 2023-07-26.

Conditions:
Meconium ileus. Identifiers: Orphanet 314376, MedGen C2939175, MONDO:0054868, HP:0004401.

gnomAD v4.1: 1 of 1,568,824 alleles (0.000064%); highest among the groups gnomAD compares: Non-Finnish European, 0.000088%; no homozygotes.

Submissions (2):

Labcorp Genetics (formerly Invitae), Labcorp
Classification: Uncertain significance. Last evaluated: 2023-07-26. Review status: criteria provided, single submitter. Criteria: Invitae Variant Classification Sherloc (09022015). Collection method: clinical testing. Allele origin: germline.
Comment: In summary, the available evidence is currently insufficient to determine the role of this variant in disease. Therefore, it has been classified as a Variant of Uncertain Significance. An algorithm developed to predict the effect of missense changes on protein structure and function (PolyPhen-2) suggests that this variant is likely to be disruptive. This sequence change replaces glutamic acid, which is acidic and polar, with glutamine, which is neutral and polar, at codon 719 of the GUCY2C protein (p.Glu719Gln). This variant is not present in population databases (gnomAD no frequency). This variant has not been reported in the literature in individuals affected with GUCY2C-related conditions. ClinVar contains an entry for this variant (Variation ID: 802827).

Mendelics
Classification: Likely benign for Intestinal obstruction in the newborn due to guanylate cyclase 2C deficiency. Last evaluated: 2019-05-28. Review status: criteria provided, single submitter. Criteria: Mendelics Assertion Criteria 2017. Collection method: clinical testing. Allele origin: unknown.